The following is an entry in ClinVar:

NM_021831.6(AGBL5):c.527C>T (p.Pro176Leu)

Gene: AGBL5 (AGBL carboxypeptidase 5; plus strand). Cytogenetic location: 2p23.3.
Variant type: single nucleotide variant.
Coding change: c.527C>T on transcript NM_021831.6 (MANE Select); coding-DNA position 527, C replaced by T.
Protein change: p.Pro176Leu; replaces proline 176 with leucine.
Molecular consequence: missense variant. On other transcripts: non-coding transcript variant (2).
Genome position (GRCh38, 1-based): chr2:27,054,035, C>T. VCF-style: chr2-27054035-C-T. GRCh37 (hg19) VCF-style: chr2-27276903-C-T.
Other names: c.527C>T, p.Pro176Leu (NM_001035507.3); c.527C>T (NM_021831.5); short protein forms P176L.
Identifiers: ClinVar variation 871081 (VCV000871081.47), dbSNP rs142859717, ClinGen allele CA1567653.

ClinVar aggregate classification (germline): Conflicting classifications of pathogenicity. Review status: criteria provided, conflicting classifications (1 of 4 stars). 5 submissions from 5 submitters: Uncertain significance (4); Likely benign (1). Last evaluated 2025-04-23.

Conditions:
AGBL5-related disorder. Also called: AGBL5-related condition.
Inborn genetic diseases. Identifiers: MedGen C0950123, MeSH D030342.

Allele frequency attached by ClinVar (database versions not stated): gnomAD 0.00014 and 0.00015; TOPMed 0.00016; ExAC 0.00017; gnomAD exomes 0.00017 and 0.00025; ESP Exome Variant Server 0.00038; 1000 Genomes Project 0.00040; 1000 Genomes Project 30x 0.00062.
gnomAD v4.1: 396 of 1,613,750 alleles (0.025%); highest among the groups gnomAD compares: Non-Finnish European, 0.029%; no homozygotes.

Submissions (5):

PreventionGenetics, part of Exact Sciences
Classification: Uncertain significance for AGBL5-related condition. Last evaluated: 2025-04-23. Review status: criteria provided, single submitter. Criteria: ACMG Guidelines, 2015. Collection method: clinical testing. Allele origin: germline.
Comment: The AGBL5 c.527C>T variant is predicted to result in the amino acid substitution p.Pro176Leu. To our knowledge, this variant has not been reported in the literature. This variant is reported in 0.033% of alleles in individuals of South Asian descent in gnomAD. At this time, the clinical significance of this variant is uncertain due to the absence of conclusive functional and genetic evidence.

Blueprint Genetics
Classification: Uncertain significance. Last evaluated: 2024-03-08. Review status: criteria provided, single submitter. Criteria: ACMG Guidelines, 2015. Collection method: clinical testing. Allele origin: germline.

Labcorp Genetics (formerly Invitae), Labcorp
Classification: Uncertain significance. Last evaluated: 2022-07-27. Review status: criteria provided, single submitter. Criteria: Invitae Variant Classification Sherloc (09022015). Collection method: clinical testing. Allele origin: germline.
Comment: This sequence change replaces proline, which is neutral and non-polar, with leucine, which is neutral and non-polar, at codon 176 of the AGBL5 protein (p.Pro176Leu). This variant is present in population databases (rs142859717, gnomAD 0.03%). This variant has not been reported in the literature in individuals affected with AGBL5-related conditions. ClinVar contains an entry for this variant (Variation ID: 871081). Algorithms developed to predict the effect of missense changes on protein structure and function output the following: SIFT: "Tolerated"; PolyPhen-2: "Benign"; Align-GVGD: "Class C0". The leucine amino acid residue is found in multiple mammalian species, which suggests that this missense change does not adversely affect protein function. In summary, the available evidence is currently insufficient to determine the role of this variant in disease. Therefore, it has been classified as a Variant of Uncertain Significance.

Ambry Genetics
Classification: Likely benign for Inborn genetic diseases. Last evaluated: 2021-11-05. Review status: criteria provided, single submitter. Criteria: Ambry Variant Classification Scheme 2023. Collection method: clinical testing. Allele origin: germline.

CeGaT Center for Human Genetics Tuebingen
Classification: Uncertain significance. Last evaluated: 2019-10-01. Review status: criteria provided, single submitter. Criteria: CeGaT Center For Human Genetics Tuebingen Variant Classification Criteria Version 2. Collection method: clinical testing. Allele origin: germline. Affected: yes. Observed: 1 variant allele.